The following is an entry in ClinVar:

NM_001184.4(ATR):c.2643del (p.Gly882fs)

Gene: ATR (ATR checkpoint kinase; minus strand). Cytogenetic location: 3q23.
Variant type: Deletion.
Coding change: c.2643del on transcript NM_001184.4 (MANE Select); coding-DNA position 2643, one base deleted (A; older notation c.2643delA).
Protein change: p.Gly882fs; shifts the reading frame from glycine 882.
Molecular consequence: frameshift variant.
Genome position (GRCh38, 1-based): chr3:142,553,389, T deleted on the plus strand (A on the coding strand, the reverse complement: ATR is on the minus strand); the first of 4 consecutive T bases (chr3:142,553,389-142,553,392); deleting any one gives the same sequence. VCF-style (leftmost placement, unchanged base first): chr3-142553388-CT-C. GRCh37 (hg19) VCF-style: chr3-142272230-CT-C.
Other names: c.2451del, p.Gly818fs (NM_001354579.2); short protein forms G882fs, G818fs.
Identifiers: ClinVar variation 2714878 (VCV002714878.3), dbSNP rs2473381097, ClinGen allele CA2697556901.
Genomic context (GRCh38, chr3:142,553,388, plus strand): 5'-ATGCTGACTTGGATAACAAACAATGCAATAAGTGTAAGAGTGCAAATGGTACCAAATCTC[CT>C]TTTGCGGCCCTAAAATTAAAAACAACATACATATGAATACACAAACACACACACACACAC-3'

ClinVar aggregate classification (germline): Pathogenic (1 of 4 stars; one submission).

Submission:

Labcorp Genetics (formerly Invitae), Labcorp
Classification: Pathogenic. Last evaluated: 2024-02-23. Review status: criteria provided, single submitter. Criteria: Invitae Variant Classification Sherloc (09022015). Collection method: clinical testing. Allele origin: germline.
Comment: This sequence change creates a premature translational stop signal (p.Gly882Glufs*57) in the ATR gene. It is expected to result in an absent or disrupted protein product. Loss-of-function variants in ATR are known to be pathogenic (PMID: 21228398, 23144622). This variant is not present in population databases (gnomAD no frequency). This variant has not been reported in the literature in individuals affected with ATR-related conditions. For these reasons, this variant has been classified as Pathogenic.

Literature cited by the submitters: PubMed 21228398; PubMed 23144622.